The following is an entry in ClinVar:

ClinVar aggregate classification (germline): Uncertain significance (1 of 4 stars; one submission).

gnomAD v4.1: 1 of 1,613,358 alleles (0.000062%); highest among the groups gnomAD compares: Admixed American, 0.0017%; no homozygotes.

Submission:

Ambry Genetics
Classification: Uncertain significance. Last evaluated: 2026-07-07. Review status: criteria provided, single submitter. Criteria: Ambry Variant Classification Scheme 2023. Collection method: clinical testing. Allele origin: germline.
Comment: The p.E33G variant (also known as c.98A>G), located in coding exon 2 of the RPS20 gene, results from an A to G substitution at nucleotide position 98. The glutamic acid at codon 33 is replaced by glycine, an amino acid with similar properties. This amino acid position is highly conserved in available vertebrate species. In addition, this alteration is predicted to be deleterious by in silico analysis. Based on the available evidence, the clinical significance of this variant remains unclear.

NM_001023.4(RPS20):c.98A>G (p.Glu33Gly)

Gene: RPS20 (ribosomal protein S20; minus strand). Cytogenetic location: 8q12.1.
Variant type: single nucleotide variant.
Coding change: c.98A>G on transcript NM_001023.4 (MANE Select); coding-DNA position 98, A replaced by G.
Protein change: p.Glu33Gly; replaces glutamic acid 33 with glycine.
Molecular consequence: missense variant.
Genome position (GRCh38, 1-based): chr8:56,074,065, T>C on the plus strand (A>G on the coding strand, the complement: RPS20 is on the minus strand). VCF-style: chr8-56074065-T-C. GRCh37 (hg19) VCF-style: chr8-56986624-T-C.
Other names: c.98A>G, p.Glu33Gly (NM_001146227.3); short protein forms E33G.
Identifiers: ClinVar variation 5028419 (VCV005028419.1).